The following is an entry in ClinVar:

ClinVar aggregate classification (germline): Uncertain significance. Review status: criteria provided, multiple submitters, no conflicts (2 of 4 stars). 2 submissions from 2 submitters: Uncertain significance (2). Last evaluated 2026-04-23.

Conditions:
Cardiovascular phenotype. Identifiers: MedGen CN230736.
Telangiectasia, hereditary hemorrhagic, type 5 (HHT5). Identifiers: Orphanet 774, MedGen C3809710, MONDO:0014217, OMIM 615506.

gnomAD v4.1: 18 of 1,601,942 alleles (0.0011%); highest among the groups gnomAD compares: Non-Finnish European, 0.0015%; no homozygotes.

Submissions (2):

Ambry Genetics
Classification: Uncertain significance for Cardiovascular phenotype. Last evaluated: 2026-04-23. Review status: criteria provided, single submitter. Criteria: Ambry Variant Classification Scheme 2023. Collection method: clinical testing. Allele origin: germline.
Comment: The p.A105G variant (also known as c.314C>G), located in coding exon 1 of the GDF2 gene, results from a C to G substitution at nucleotide position 314. The alanine at codon 105 is replaced by glycine, an amino acid with similar properties. This amino acid position is conserved. Based on the available evidence, the clinical significance of this variant remains unclear.

Labcorp Genetics (formerly Invitae), Labcorp
Classification: Uncertain significance for Telangiectasia, hereditary hemorrhagic, type 5. Last evaluated: 2025-01-22. Review status: criteria provided, single submitter. Criteria: Invitae Variant Classification Sherloc (09022015). Collection method: clinical testing. Allele origin: germline.
Comment: This sequence change replaces alanine, which is neutral and non-polar, with glycine, which is neutral and non-polar, at codon 105 of the GDF2 protein (p.Ala105Gly). This variant is present in population databases (no rsID available, gnomAD 0.0009%). This variant has not been reported in the literature in individuals affected with GDF2-related conditions. An algorithm developed to predict the effect of missense changes on protein structure and function (PolyPhen-2) suggests that this variant is likely to be disruptive. In summary, the available evidence is currently insufficient to determine the role of this variant in disease. Therefore, it has been classified as a Variant of Uncertain Significance.

NM_016204.4(GDF2):c.314C>G (p.Ala105Gly)

Gene: GDF2 (growth differentiation factor 2; plus strand). Cytogenetic location: 10q11.22.
Variant type: single nucleotide variant.
Coding change: c.314C>G on transcript NM_016204.4 (MANE Select); coding-DNA position 314, C replaced by G.
Protein change: p.Ala105Gly; replaces alanine 105 with glycine.
Molecular consequence: missense variant.
Genome position (GRCh38, 1-based): chr10:47,322,982, C>G. VCF-style: chr10-47322982-C-G. GRCh37 (hg19) VCF-style: chr10-48416380-G-C.
Other names: c.314C>G (NM_016204.1); short protein forms A105G.
Identifiers: ClinVar variation 3706133 (VCV003706133.3).
Genomic context (GRCh38, chr10:47,322,982, plus strand): 5'-CGCCGCAGTACATGATTGACCTGTACAACAGGTACACGTCCGATAAGTCGACTACGCCAG[C>G]GTCCAACATTGTGCGGAGCTTCAGCATGGAAGGTAGGGTCTCCGCTTGCACCATGCGCGC-3'
Protein context (NP_057288.1, residues 95-115): RYTSDKSTTP[Ala105Gly]SNIVRSFSME